The following is an entry in ClinVar:

NM_016628.5(WAC):c.1052C>T (p.Ser351Leu)

Gene: WAC (WW domain containing adaptor with coiled-coil; plus strand). Cytogenetic location: 10p12.1.
Variant type: single nucleotide variant.
Coding change: c.1052C>T on transcript NM_016628.5 (MANE Select); coding-DNA position 1052, C replaced by T.
Protein change: p.Ser351Leu; replaces serine 351 with leucine.
Molecular consequence: missense variant.
Genome position (GRCh38, 1-based): chr10:28,608,318, C>T. VCF-style: chr10-28608318-C-T. GRCh37 (hg19) VCF-style: chr10-28897247-C-T.
Other names: c.917C>T, p.Ser306Leu (NM_100264.3); c.743C>T, p.Ser248Leu (NM_100486.4); short protein forms S351L, S248L, S306L.
Identifiers: ClinVar variation 4200043 (VCV004200043.2).

ClinVar aggregate classification (germline): Likely benign. Review status: criteria provided, multiple submitters, no conflicts (2 of 4 stars). 2 submissions from 2 submitters: Likely benign (2). Last evaluated 2026-05-01.

Conditions:
WAC-related disorder. Also called: WAC-related condition.
Inborn genetic diseases. Identifiers: MedGen C0950123, MeSH D030342.

Submissions (2):

PreventionGenetics, part of Exact Sciences
Classification: Likely benign for WAC-related condition. Last evaluated: 2026-05-01. Review status: criteria provided, single submitter. Criteria: ACMG Guidelines, 2015. Collection method: clinical testing. Allele origin: germline.
Comment: This variant is classified as likely benign based on ACMG/AMP sequence variant interpretation guidelines (Richards et al. 2015 PMID: 25741868, with internal and published modifications).

Ambry Genetics
Classification: Likely benign for Inborn genetic diseases. Last evaluated: 2025-07-03. Review status: criteria provided, single submitter. Criteria: Ambry Variant Classification Scheme 2023. Collection method: clinical testing. Allele origin: germline.